The following is an entry in ClinVar:

ClinVar aggregate classification (germline): Uncertain significance (1 of 4 stars; one submission).

Allele frequency attached by ClinVar (database versions not stated): ExAC 0.00001; gnomAD exomes 0.00001; TOPMed 0.00001.
gnomAD v4.1: 44 of 1,614,032 alleles (0.0027%); highest among the groups gnomAD compares: Middle Eastern, 0.033%; no homozygotes.

Submission:

Labcorp Genetics (formerly Invitae), Labcorp
Classification: Uncertain significance. Last evaluated: 2022-07-19. Review status: criteria provided, single submitter. Criteria: Invitae Variant Classification Sherloc (09022015). Collection method: clinical testing. Allele origin: germline.
Comment: In summary, the available evidence is currently insufficient to determine the role of this variant in disease. Therefore, it has been classified as a Variant of Uncertain Significance. This variant disrupts the p.Arg219 amino acid residue in CA4. Other variant(s) that disrupt this residue have been determined to be pathogenic (PMID: 15563508, 19211803, 20308551). This suggests that this residue is clinically significant, and that variants that disrupt this residue are likely to be disease-causing. Algorithms developed to predict the effect of missense changes on protein structure and function are either unavailable or do not agree on the potential impact of this missense change (SIFT: "Not Available"; PolyPhen-2: "Probably Damaging"; Align-GVGD: "Not Available"). ClinVar contains an entry for this variant (Variation ID: 1435576). This variant has not been reported in the literature in individuals affected with CA4-related conditions. This variant is present in population databases (rs121434551, gnomAD 0.003%). This sequence change replaces arginine, which is basic and polar, with cysteine, which is neutral and slightly polar, at codon 219 of the CA4 protein (p.Arg219Cys).

Literature cited by the submitters: PubMed 15563508; PubMed 19211803; PubMed 20308551.

NM_000717.5(CA4):c.655C>T (p.Arg219Cys)

Gene: CA4 (carbonic anhydrase 4; plus strand). Cytogenetic location: 17q23.1.
Variant type: single nucleotide variant.
Coding change: c.655C>T on transcript NM_000717.5 (MANE Select); coding-DNA position 655, C replaced by T.
Protein change: p.Arg219Cys; replaces arginine 219 with cysteine.
Molecular consequence: missense variant. On other transcripts: non-coding transcript variant (1).
Genome position (GRCh38, 1-based): chr17:60,158,357, C>T. VCF-style: chr17-60158357-C-T. GRCh37 (hg19) VCF-style: chr17-58235718-C-T.
Other names: short protein forms R219C.
Identifiers: ClinVar variation 1435576 (VCV001435576.6), dbSNP rs121434551, ClinGen allele CA8685476.
Genomic context (GRCh38, chr17:60,158,357, plus strand): 5'-ATGGCAGAGAGCAGCCTGTTGGACCTGCTCCCCAAGGAGGAGAAACTGAGGCACTACTTC[C>T]GCTACCTGGGCTCACTCACCACACCGACCTGCGATGAGAAGGTCGTCTGGACTGTGTTCC-3'
Protein context (NP_000708.1, residues 209-229): PKEEKLRHYF[Arg219Cys]YLGSLTTPTC